The following is an entry in ClinVar:

ClinVar aggregate classification (germline): Uncertain significance (1 of 4 stars; one submission).

Conditions:
Myofibrillar myopathy 3 (MFM3). Also called: Muscular dystrophy, proximal, type 1A; Autosomal dominant spheroid body myopathy. Identifiers: Orphanet 266, Orphanet 268129, MedGen C3714934, MONDO:0012215, OMIM 609200.

Submission:

Baylor Genetics
Classification: Uncertain significance for Myofibrillar myopathy 3. Last evaluated: 2020-06-03. Review status: criteria provided, single submitter. Criteria: ACMG Guidelines, 2015. Collection method: clinical testing. Allele origin: unknown. Affected: yes.
Comment: This variant was determined to be of uncertain significance according to ACMG Guidelines, 2015 [PMID:25741868].

NM_006790.3(MYOT):c.1397T>G (p.Leu466Arg)

Genes: MYOT (myotilin; plus strand), PKD2L2-DT (PKD2L2 divergent transcript; minus strand). Cytogenetic location: 5q31.2.
Variant type: single nucleotide variant.
Coding change: c.1397T>G on transcript NM_006790.3 (MANE Select); coding-DNA position 1397, T replaced by G.
Protein change: p.Leu466Arg; replaces leucine 466 with arginine.
Molecular consequence: missense variant.
Genome position (GRCh38, 1-based): chr5:137,887,285, T>G. VCF-style: chr5-137887285-T-G. GRCh37 (hg19) VCF-style: chr5-137222974-T-G.
Other names: c.845T>G, p.Leu282Arg (NM_001135940.2); c.1052T>G, p.Leu351Arg (NM_001300911.2); short protein forms L351R, L466R, L282R.
Identifiers: ClinVar variation 1030156 (VCV001030156.2), dbSNP rs1295267806, ClinGen allele CA361056841.
Genomic context (GRCh38, chr5:137,887,285, plus strand): 5'-AAACTCTTCCAGCTCCTAAGCAGTTACGGGTTCGACCAACATTCAGCAAATATTTAGCAC[T>G]TAATGGGAAAGGTTTGAATGTAAAACAAGCTTTTAACCCAGAAGGAGAATTTCAGCGTTT-3'
Protein context (NP_006781.1, residues 456-476): VRPTFSKYLA[Leu466Arg]NGKGLNVKQA